The following is an entry in ClinVar:

ClinVar aggregate classification (germline): Pathogenic. Review status: criteria provided, single submitter (1 of 4 stars). 3 submissions from 3 submitters: Pathogenic (1). 2 of the submissions do not count toward it. Last evaluated 2023-02-14.

Conditions:
Primary ciliary dyskinesia 30. Also called: CILIARY DYSKINESIA, PRIMARY, 30, WITH OR WITHOUT SITUS INVERSUS. Identifiers: Orphanet 244, MedGen C4015016, MONDO:0014465, OMIM 616037.
Kartagener syndrome (CILD1). Also called: CILIARY DYSKINESIA, PRIMARY, 1; CILIARY DYSKINESIA, PRIMARY, 1, WITH OR WITHOUT SITUS INVERSUS; Dextrocardia bronchiectasis and sinusitis; SIEWERT SYNDROME; IMMOTILE CILIA SYNDROME; POLYNESIAN BRONCHIECTASIS. Identifiers: Orphanet 244, MedGen C4551906, MONDO:0009484, OMIM 244400.

Submissions (3):

Labcorp Genetics (formerly Invitae), Labcorp
Classification: Pathogenic for Primary ciliary dyskinesia 30. Last evaluated: 2023-02-14. Review status: criteria provided, single submitter. Criteria: Invitae Variant Classification Sherloc (09022015). Collection method: clinical testing. Allele origin: germline.
Comment: This sequence change creates a premature translational stop signal (p.Ser419*) in the CCDC151 gene. It is expected to result in an absent or disrupted protein product. Loss-of-function variants in CCDC151 are known to be pathogenic (PMID: 25192045). This variant is not present in population databases (gnomAD no frequency). This premature translational stop signal has been observed in individual(s) with primary ciliary dyskinesia (PMID: 25192045). ClinVar contains an entry for this variant (Variation ID: 156366). For these reasons, this variant has been classified as Pathogenic.

OMIM
Classification: Pathogenic for CILIARY DYSKINESIA, PRIMARY, 30. Last evaluated: 2014-09-04. Review status: no assertion criteria provided. Collection method: literature only. Allele origin: germline. Not counted in ClinVar's aggregate classification.

GeneReviews
No classification provided. Condition: Kartagener syndrome. Review status: no classification provided. Collection method: literature only. Allele origin: germline. Affected: yes. Not counted in ClinVar's aggregate classification.

Literature cited by the submitters: PubMed 25192045 (cited by 3 submitters); NCBI Bookshelf NBK1122 (cited by GeneReviews).

NM_145045.5(ODAD3):c.1256C>A (p.Ser419Ter)

Gene: ODAD3 (outer dynein arm docking complex subunit 3; minus strand). Cytogenetic location: 19p13.2.
Variant type: single nucleotide variant.
Coding change: c.1256C>A on transcript NM_145045.5 (MANE Select); coding-DNA position 1256, C replaced by A.
Protein change: p.Ser419Ter; replaces serine 419 with a stop codon.
Molecular consequence: nonsense.
Genome position (GRCh38, 1-based): chr19:11,422,722, G>T on the plus strand (C>A on the coding strand, the complement: ODAD3 is on the minus strand). VCF-style: chr19-11422722-G-T. GRCh37 (hg19) VCF-style: chr19-11533390-G-T.
Other names: c.1094C>A, p.Ser365Ter (NM_001302453.1); c.1076C>A, p.Ser359Ter (NM_001302454.2); short protein forms S419*, S365*, S359*.
Identifiers: ClinVar variation 156366 (VCV000156366.8), dbSNP rs587777780, ClinGen allele CA170853.
Genomic context (GRCh38, chr19:11,422,722, plus strand): 5'-GCCCGCCCCGCCGCCCTCCCCAGAGCCCCGGTGCCTCACCTCACCAGCGTGGCCTCCCCC[G>T]AGTACTTGAGGTCTTCCAGCTCCCGCTGCAGTTGTTGCTTCTCCTGCTTCAGCCTCACCA-3'